The following is an entry in ClinVar:

ClinVar aggregate classification (germline): Benign. Review status: criteria provided, multiple submitters, no conflicts (2 of 4 stars). 14 submissions from 11 submitters: Benign (14). Last evaluated 2026-02-04.

Conditions:
Congenital myopathy 18. Also called: Myopathy, congenital, due to dihydropyridine receptor defect; DIHYDROPYRIDINE RECEPTOR CONGENITAL MYOPATHY; DHPR CONGENITAL MYOPATHY. Identifiers: MedGen C5830283, MONDO:0859514, OMIM 620246.
Hypokalemic periodic paralysis, type 1. Also called: Hypokalemic Periodic Paralysis Type 1 (AD); HypoPP. Identifiers: Orphanet 681, MedGen C3714580, MONDO:0042979, OMIM 170400.
Malignant hyperthermia, susceptibility to, 5 (MHS5). Also called: CACNA1S-Related Malignant Hyperthermia Susceptibility. Identifiers: Orphanet 423, MedGen C1866077, MONDO:0011163, OMIM 601887.
Thyrotoxic periodic paralysis, susceptibility to, 1 (TTPP1). Identifiers: Orphanet 79102, MedGen C2749982, MONDO:0008570, OMIM 188580.

Allele frequency attached by ClinVar (database versions not stated): gnomAD exomes 0.13536 and 0.14690; ExAC 0.15490; 1000 Genomes Project 0.22923; 1000 Genomes Project 30x 0.23954; gnomAD 0.24484; TOPMed 0.26144; ESP Exome Variant Server 0.26980.
gnomAD v4.1: 236,253 of 1,614,082 alleles (15%); highest among the groups gnomAD compares: African/African-American, 55%; 24,387 homozygotes.

Submissions (14):

Labcorp Genetics (formerly Invitae), Labcorp
Classification: Benign for Hypokalemic periodic paralysis, type 1; Malignant hyperthermia, susceptibility to, 5. Last evaluated: 2026-02-04. Review status: criteria provided, single submitter. Criteria: Invitae Variant Classification Sherloc (09022015). Collection method: clinical testing. Allele origin: germline.

Blueprint Genetics
Classification: Benign. Last evaluated: 2024-11-26. Review status: criteria provided, single submitter. Criteria: ACMG Guidelines, 2015. Collection method: clinical testing. Allele origin: germline.

All of Us Research Program, National Institutes of Health
Classification: Benign for Malignant hyperthermia, susceptibility to, 5. Last evaluated: 2024-02-05. Review status: criteria provided, single submitter. Criteria: ACMG Guidelines, 2015. Collection method: clinical testing. Allele origin: germline. Inheritance: Autosomal dominant inheritance. Observed: 30,039 variant alleles, 26,107 heterozygotes, 3,932 homozygotes.
Comment: This study involves interpretation of variants in research participants for the purpose of population health screening. Participant phenotype was not available at the time of variant classification. Additional details can be found in publication PMID: 35346344, PMCID: PMC8962531

Genome-Nilou Lab
Classification: Benign for Malignant hyperthermia, susceptibility to, 5. Last evaluated: 2023-04-11. Review status: criteria provided, single submitter. Criteria: ACMG Guidelines, 2015. Collection method: clinical testing. Allele origin: germline. Affected: no.

Genome-Nilou Lab
Classification: Benign for Thyrotoxic periodic paralysis, susceptibility to, 1. Last evaluated: 2023-04-11. Review status: criteria provided, single submitter. Criteria: ACMG Guidelines, 2015. Collection method: clinical testing. Allele origin: germline. Affected: no.

Genome-Nilou Lab
Classification: Benign for Congenital myopathy 18. Last evaluated: 2023-04-11. Review status: criteria provided, single submitter. Criteria: ACMG Guidelines, 2015. Collection method: clinical testing. Allele origin: germline. Affected: no.

Genome-Nilou Lab
Classification: Benign for Hypokalemic periodic paralysis, type 1. Last evaluated: 2023-04-11. Review status: criteria provided, single submitter. Criteria: ACMG Guidelines, 2015. Collection method: clinical testing. Allele origin: germline. Affected: no.

Color Diagnostics, LLC DBA Color Health
Classification: Benign for Malignant hyperthermia, susceptibility to, 5. Last evaluated: 2018-03-05. Review status: criteria provided, single submitter. Criteria: ACMG Guidelines, 2015. Collection method: clinical testing. Allele origin: germline.

Illumina Laboratory Services, Illumina
Classification: Benign for Hypokalemic periodic paralysis, type 1. Last evaluated: 2018-01-13. Review status: criteria provided, single submitter. Criteria: ICSL Variant Classification Criteria 13 December 2019. Collection method: clinical testing. Allele origin: germline.
Comment: This variant was observed in the ICSL laboratory as part of a predisposition screen in an ostensibly healthy population. It had not been previously curated by ICSL or reported in the Human Gene Mutation Database (HGMD: prior to June 1st, 2018), and was therefore a candidate for classification through an automated scoring system. Utilizing variant allele frequency, disease prevalence and penetrance estimates, and inheritance mode, an automated score was calculated to assess if this variant is too frequent to cause the disease. Based on the score and internal cut-off values, a variant classified as benign is not then subjected to further curation. The score for this variant resulted in a classification of benign for this disease.

Mayo Clinic Laboratories, Mayo Clinic
Classification: Benign. Last evaluated: 2017-07-24. Review status: criteria provided, single submitter. Criteria: ACMG Guidelines, 2015. Collection method: clinical testing. Allele origin: germline. Observed: 173 variant alleles.

Athena Diagnostics
Classification: Benign. Last evaluated: 2017-07-21. Review status: criteria provided, single submitter. Criteria: Athena Diagnostics Criteria. Collection method: clinical testing. Allele origin: germline.

GeneDx
Classification: Benign. Last evaluated: 2016-01-29. Review status: criteria provided, single submitter. Criteria: GeneDx Variant Classification (06012015). Collection method: clinical testing. Allele origin: germline. Affected: yes.
Comment: This variant is considered likely benign or benign based on one or more of the following criteria: it is a conservative change, it occurs at a poorly conserved position in the protein, it is predicted to be benign by multiple in silico algorithms, and/or has population frequency not consistent with disease.

Breakthrough Genomics
Classification: Benign. Review status: criteria provided, single submitter. Criteria: ACMG Guidelines, 2015. Collection method: not provided. Allele origin: germline. Inheritance: Autosomal dominant inheritance. Affected: yes.

PreventionGenetics, part of Exact Sciences
Classification: Benign. Review status: criteria provided, single submitter. Criteria: ACMG Guidelines, 2015. Collection method: clinical testing. Allele origin: germline.

NM_000069.3(CACNA1S):c.5399T>C (p.Leu1800Ser)

Gene: CACNA1S (calcium voltage-gated channel subunit alpha1 S; minus strand). Cytogenetic location: 1q32.1.
Variant type: single nucleotide variant.
Coding change: c.5399T>C on transcript NM_000069.3 (MANE Select); coding-DNA position 5399, T replaced by C.
Protein change: p.Leu1800Ser; replaces leucine 1800 with serine.
Molecular consequence: missense variant.
Genome position (GRCh38, 1-based): chr1:201,040,054, A>G on the plus strand (T>C on the coding strand, the complement: CACNA1S is on the minus strand). VCF-style: chr1-201040054-A-G. GRCh37 (hg19) VCF-style: chr1-201009182-A-G.
Other names: short protein forms L1800S.
Identifiers: ClinVar variation 254847 (VCV000254847.21), dbSNP rs12139527, ClinGen allele CA083847.
Genomic context (GRCh38, chr1:201,040,054, plus strand): 5'-ATTTGGCAGGCATCTGCCAGGGCCTGGCCTGTTGCCATGATGAAGTTTGCATCAGCTGCC[A>G]AGGTGCCCAGGCCCCCTCGAACCAGAGCCTGCAGGGAGGAGAGTAGGCTGAGTGGGGTCT-3'
Protein context (NP_000060.2, residues 1790-1810): KALVRGGLGT[Leu1800Ser]AADANFIMAT